The following is an entry in ClinVar:

NC_000006.11:g.(?_123539726)_(123957940_?)dup

Genes: TRDN (triadin; minus strand), TRDN-AS1 (TRDN antisense RNA 1; plus strand), LOC129389631 (MPRA-validated peak6085 silencer; plus strand), LOC129389632 (MPRA-validated peak6087 silencer; plus strand), LOC129389633 (MPRA-validated peak6091 silencer; plus strand). Cytogenetic location: 6q22.31.
Variant type: Duplication.
Identifiers: ClinVar variation 532435 (VCV000532435.2).

ClinVar aggregate classification (germline): Uncertain significance (1 of 4 stars; one submission).

Conditions:
Catecholaminergic polymorphic ventricular tachycardia (CVPT). Also called: Catecholamine-induced polymorphic ventricular tachycardia. Identifiers: Orphanet 3286, MedGen C5574922, MONDO:0017990.

Submission:

Labcorp Genetics (formerly Invitae), Labcorp
Classification: Uncertain significance for Catecholaminergic polymorphic ventricular tachycardia. Last evaluated: 2018-06-19. Review status: criteria provided, single submitter. Criteria: Invitae Variant Classification Sherloc (09022015). Collection method: clinical testing. Allele origin: germline.
Comment: This variant results in a copy number gain of the genomic region encompassing the full coding sequence of the TRDN gene. The boundaries of this event are unknown as they extend beyond the assayed region for this gene and therefore may encompass additional genes. As the precise location of this event is unknown, it may be in tandem or it may be located elsewhere in the genome. This variant has not been reported in the literature in individuals with TRDN-related disease. In summary, the available evidence is currently insufficient to determine the role of this variant in disease. Therefore, it has been classified as a Variant of Uncertain Significance.